The following is an entry in ClinVar:

ClinVar aggregate classification (germline): Conflicting classifications of pathogenicity. Review status: criteria provided, conflicting classifications (1 of 4 stars). 3 submissions from 3 submitters: Uncertain significance (1); Likely benign (2). Last evaluated 2026-08-06.

Conditions:
SLC27A5-related disorder. Also called: SLC27A5-related condition.

Allele frequency attached by ClinVar (database versions not stated): gnomAD exomes 0.00002 and 0.00009; TOPMed 0.00004; ExAC 0.00005; gnomAD 0.00006; ESP Exome Variant Server 0.00008.

Submissions (3):

PreventionGenetics, part of Exact Sciences
Classification: Likely benign for SLC27A5-related condition. Last evaluated: 2026-08-06. Review status: criteria provided, single submitter. Criteria: ACMG Guidelines, 2015. Collection method: clinical testing. Allele origin: germline.
Comment: This variant is classified as likely benign based on ACMG/AMP sequence variant interpretation guidelines (Richards et al. 2015 PMID: 25741868, with internal and published modifications).

Ambry Genetics
Classification: Likely benign. Last evaluated: 2023-11-07. Review status: criteria provided, single submitter. Criteria: Ambry Variant Classification Scheme 2023. Collection method: clinical testing. Allele origin: germline.

Eurofins Ntd Llc (ga)
Classification: Uncertain significance. Last evaluated: 2017-01-23. Review status: criteria provided, single submitter. Criteria: EGL Classification Definitions 2015. Collection method: clinical testing. Allele origin: germline. Observed: 1 variant allele, 1 heterozygote.

NM_012254.3(SLC27A5):c.1668A>G (p.Arg556=)

Gene: SLC27A5 (solute carrier family 27 member 5; minus strand). Cytogenetic location: 19q13.43.
Variant type: single nucleotide variant.
Coding change: c.1668A>G on transcript NM_012254.3 (MANE Select); coding-DNA position 1668, A replaced by G.
Protein change: p.Arg556=; no amino-acid change (arginine 556 retained).
Molecular consequence: synonymous variant.
Genome position (GRCh38, 1-based): chr19:58,499,220, T>C on the plus strand (A>G on the coding strand, the complement: SLC27A5 is on the minus strand). VCF-style: chr19-58499220-T-C. GRCh37 (hg19) VCF-style: chr19-59010587-T-C.
Other names: c.1416A>G, p.Arg472= (NM_001321196.2); c.1668A>G (NM_012254.2).
Identifiers: ClinVar variation 500074 (VCV000500074.7), dbSNP rs370902216, ClinGen allele CA9717867.